The following is an entry in ClinVar:

NM_004130.4(GYG1):c.10C>T (p.Gln4Ter)

Gene: GYG1 (glycogenin 1; plus strand). Cytogenetic location: 3q24.
Variant type: single nucleotide variant.
Coding change: c.10C>T on transcript NM_004130.4 (MANE Select); coding-DNA position 10, C replaced by T.
Protein change: p.Gln4Ter; replaces glutamine 4 with a stop codon.
Molecular consequence: nonsense.
Genome position (GRCh38, 1-based): chr3:148,994,144, C>T. VCF-style: chr3-148994144-C-T. GRCh37 (hg19) VCF-style: chr3-148711931-C-T.
Other names: c.10C>T, p.Gln4Ter (NM_001184720.2, NM_001184721.2); short protein forms Q4*.
Identifiers: ClinVar variation 1946636 (VCV001946636.7), dbSNP rs745345009, ClinGen allele CA2658433.
Genomic context (GRCh38, chr3:148,994,144, plus strand): 5'-AAAAGGCTTTCTCCAGATAAGATACTGTAATGAGTGTTTTTTTTTTCTTTGTATTAAGAT[C>T]AGGCCTTTGTGACACTAACCACAAACGATGCCTACGCCAAAGGTGCCCTGGTCCTGGGAT-3'

ClinVar aggregate classification (germline): Pathogenic/Likely pathogenic. Review status: criteria provided, multiple submitters, no conflicts (2 of 4 stars). 2 submissions from 2 submitters: Pathogenic (1); Likely pathogenic (1). Last evaluated 2023-04-03.

Conditions:
Glycogen storage disease XV (GSD15). Also called: GLYCOGENIN DEFICIENCY; GSD XV. Identifiers: Orphanet 263297, MedGen C3150754, MONDO:0013291, OMIM 613507.
Polyglucosan body myopathy type 2. Identifiers: Orphanet 456369, MedGen C4015452, MONDO:0014526, OMIM 616199.

Allele frequency attached by ClinVar (database versions not stated): ExAC 0.00001.

Submissions (2):

Labcorp Genetics (formerly Invitae), Labcorp
Classification: Pathogenic for Polyglucosan body myopathy type 2; Glycogen storage disease XV. Last evaluated: 2023-04-03. Review status: criteria provided, single submitter. Criteria: Invitae Variant Classification Sherloc (09022015). Collection method: clinical testing. Allele origin: germline.
Comment: This variant has not been reported in the literature in individuals affected with GYG1-related conditions. This variant is present in population databases (rs745345009, gnomAD 0.006%). This sequence change creates a premature translational stop signal (p.Gln4*) in the GYG1 gene. It is expected to result in an absent or disrupted protein product. Loss-of-function variants in GYG1 are known to be pathogenic (PMID: 20357282, 25272951). ClinVar contains an entry for this variant (Variation ID: 1946636). For these reasons, this variant has been classified as Pathogenic.

Juno Genomics, Hangzhou Juno Genomics, Inc
Classification: Likely pathogenic for Glycogen storage disease XV; Polyglucosan body myopathy type 2. Review status: criteria provided, single submitter. Criteria: ACMG Guidelines, 2015. Collection method: clinical testing. Allele origin: germline.
Comment: Null variant in a gene where loss of function (LOF) is a known mechanism of disease.;Absent from controls (or at extremely low frequency if recessive) in Genome Aggregation Database.

Literature cited by the submitters: PubMed 20357282 (cited by Labcorp Genetics (formerly Invitae), Labcorp); PubMed 25272951 (cited by Labcorp Genetics (formerly Invitae), Labcorp).